The following is an entry in ClinVar:

NM_000618.5(IGF1):c.205del (p.Arg69fs)

Genes: IGF1 (insulin like growth factor 1; minus strand), LINC02456 (long intergenic non-protein coding RNA 2456; plus strand). Cytogenetic location: 12q23.2.
Variant type: Deletion.
Coding change: c.205del on transcript NM_000618.5 (MANE Select); coding-DNA position 205, one base deleted (A; older notation c.205delA).
Protein change: p.Arg69fs; shifts the reading frame from arginine 69.
Molecular consequence: frameshift variant.
Genome position (GRCh38, 1-based): chr12:102,475,658, T deleted on the plus strand (A on the coding strand, the reverse complement: IGF1 is on the minus strand). VCF-style (leftmost placement, unchanged base first): chr12-102475657-CT-C. GRCh37 (hg19) VCF-style: chr12-102869435-CT-C.
Other names: c.205del, p.Arg69fs (NM_001111283.3, NM_001111285.3, NM_001414005.1 and 1 more transcripts); c.157del, p.Arg53fs (NM_001111284.2, NM_001414006.1); short protein forms R53fs, R69fs.
Identifiers: ClinVar variation 3644936 (VCV003644936.2).

ClinVar aggregate classification (germline): Pathogenic (1 of 4 stars; one submission).

Submission:

Labcorp Genetics (formerly Invitae), Labcorp
Classification: Pathogenic. Last evaluated: 2024-12-16. Review status: criteria provided, single submitter. Criteria: Invitae Variant Classification Sherloc (09022015). Collection method: clinical testing. Allele origin: germline.
Comment: This sequence change creates a premature translational stop signal (p.Arg69Glyfs*34) in the IGF1 gene. It is expected to result in an absent or disrupted protein product. Loss-of-function variants in IGF1 are known to be pathogenic (PMID: 8857020, 31230720). This variant is not present in population databases (gnomAD no frequency). This variant has not been reported in the literature in individuals affected with IGF1-related conditions. For these reasons, this variant has been classified as Pathogenic.

Literature cited by the submitters: PubMed 8857020; PubMed 31230720.